The following is an entry in ClinVar:

NM_005419.4(STAT2):c.2529T>G (p.Asp843Glu)

Gene: STAT2 (signal transducer and activator of transcription 2; minus strand). Cytogenetic location: 12q13.3.
Variant type: single nucleotide variant.
Coding change: c.2529T>G on transcript NM_005419.4 (MANE Select); coding-DNA position 2529, T replaced by G.
Protein change: p.Asp843Glu; replaces aspartic acid 843 with glutamic acid.
Molecular consequence: missense variant. On other transcripts: 3 prime UTR variant (1).
Genome position (GRCh38, 1-based): chr12:56,343,416, A>C on the plus strand (T>G on the coding strand, the complement: STAT2 is on the minus strand). VCF-style: chr12-56343416-A-C. GRCh37 (hg19) VCF-style: chr12-56737200-A-C.
Other names: c.2496T>G, p.Asp832Glu (NM_001385110.1); c.2430T>G, p.Asp810Glu (NM_001385111.1); c.*98T>G (NM_001385113.1); c.2508T>G, p.Asp836Glu (NM_001385114.1); c.2487T>G, p.Asp829Glu (NM_001385115.1); c.2517T>G, p.Asp839Glu (NM_198332.2); short protein forms D836E, D832E, D839E, D843E, D829E, D810E.
Identifiers: ClinVar variation 3450416 (VCV003450416.2).
Genomic context (GRCh38, chr12:56,343,416, plus strand): 5'-AGAGATATGAAAAGAACAGAGGAAATGTGGTTCCTAGAAGTCAGAAGGCATCAAGGGTCC[A>C]TCAGTGTAGAAGTGGCTGGGGCGGGAGACGTAAACCTCATCCACGGTGTTCTGGCCAGCC-3'
Protein context (NP_005410.1, residues 833-851): YVSRPSHFYT[Asp843Glu]GPLMPSDF

ClinVar aggregate classification (germline): Uncertain significance. Review status: criteria provided, multiple submitters, no conflicts (2 of 4 stars). 2 submissions from 2 submitters: Uncertain significance (2). Last evaluated 2026-01-26.

Conditions:
Inborn genetic diseases. Identifiers: MedGen C0950123, MeSH D030342.

gnomAD v4.1: 2 of 1,614,172 alleles (0.00012%); highest among the groups gnomAD compares: African/African-American, 0.0027%; no homozygotes.

Submissions (2):

Women's Health and Genetics/Laboratory Corporation of America, LabCorp
Classification: Uncertain significance. Last evaluated: 2026-01-26. Review status: criteria provided, single submitter. Criteria: LabCorp Variant Classification Summary - May 2015. Collection method: clinical testing. Allele origin: germline.
Comment: Variant summary: STAT2 c.2529T>G (p.Asp843Glu) results in a conservative amino acid change in the encoded protein sequence. Algorithms developed to predict the effect of missense changes on protein structure and function all suggest that this variant is likely to be tolerated. The variant was absent in 251320 control chromosomes. The available data on variant occurrences in the general population are insufficient to allow any conclusion about variant significance. To our knowledge, no occurrence of c.2529T>G in individuals affected with STAT2-related conditions and no experimental evidence demonstrating its impact on protein function have been reported. ClinVar contains an entry for this variant (Variation ID: 3450416). Based on the evidence outlined above, the variant was classified as uncertain significance.

Ambry Genetics
Classification: Uncertain significance for Inborn genetic diseases. Last evaluated: 2024-11-21. Review status: criteria provided, single submitter. Criteria: Ambry Variant Classification Scheme 2023. Collection method: clinical testing. Allele origin: germline.